The following is an entry in ClinVar:

NM_001385641.1(SAMD11):c.1771G>A (p.Ala591Thr)

Gene: SAMD11 (sterile alpha motif domain containing 11; plus strand). Cytogenetic location: 1p36.33.
Variant type: single nucleotide variant.
Coding change: c.1771G>A on transcript NM_001385641.1 (MANE Select); coding-DNA position 1771, G replaced by A.
Protein change: p.Ala591Thr; replaces alanine 591 with threonine.
Molecular consequence: missense variant.
Genome position (GRCh38, 1-based): chr1:942,776, G>A. VCF-style: chr1-942776-G-A. GRCh37 (hg19) VCF-style: chr1-878156-G-A.
Other names: c.1774G>A, p.Ala592Thr (NM_001385640.1); c.1282G>A, p.Ala428Thr (NM_152486.4); short protein forms A428T, A591T, A592T.
Identifiers: ClinVar variation 838673 (VCV000838673.8), dbSNP rs767387436, ClinGen allele CA502990.

ClinVar aggregate classification (germline): Uncertain significance. Review status: criteria provided, multiple submitters, no conflicts (2 of 4 stars). 3 submissions from 3 submitters: Uncertain significance (3). Last evaluated 2025-11-12.

Allele frequency attached by ClinVar (database versions not stated): gnomAD exomes 0.00010 and 0.00012; ExAC 0.00012; TOPMed 0.00014; gnomAD 0.00015 and 0.00016.

Submissions (3):

Labcorp Genetics (formerly Invitae), Labcorp
Classification: Uncertain significance. Last evaluated: 2025-11-12. Review status: criteria provided, single submitter. Criteria: Invitae Variant Classification Sherloc (09022015). Collection method: clinical testing. Allele origin: germline.
Comment: This sequence change replaces alanine, which is neutral and non-polar, with threonine, which is neutral and polar, at codon 428 of the SAMD11 protein (p.Ala428Thr). This variant is present in population databases (rs767387436, gnomAD 0.03%). This variant has not been reported in the literature in individuals affected with SAMD11-related conditions. ClinVar contains an entry for this variant (Variation ID: 838673). An algorithm developed to predict the effect of missense changes on protein structure and function outputs the following: PolyPhen-2: "Benign". The threonine amino acid residue is found in multiple mammalian species, which suggests that this missense change does not adversely affect protein function. In summary, the available evidence is currently insufficient to determine the role of this variant in disease. Therefore, it has been classified as a Variant of Uncertain Significance.

Blueprint Genetics
Classification: Uncertain significance. Last evaluated: 2024-10-10. Review status: criteria provided, single submitter. Criteria: ACMG Guidelines, 2015. Collection method: clinical testing. Allele origin: germline.

Ambry Genetics
Classification: Uncertain significance. Last evaluated: 2024-07-14. Review status: criteria provided, single submitter. Criteria: Ambry Variant Classification Scheme 2023. Collection method: clinical testing. Allele origin: germline.